The following is an entry in ClinVar:

NM_001005273.3(CHD3):c.2242C>T (p.Arg748Cys)

Gene: CHD3 (chromodomain helicase DNA binding protein 3; plus strand). Cytogenetic location: 17p13.1.
Variant type: single nucleotide variant.
Coding change: c.2242C>T on transcript NM_001005273.3 (MANE Select); coding-DNA position 2242, C replaced by T.
Protein change: p.Arg748Cys; replaces arginine 748 with cysteine.
Molecular consequence: missense variant.
Genome position (GRCh38, 1-based): chr17:7,899,101, C>T. VCF-style: chr17-7899101-C-T. GRCh37 (hg19) VCF-style: chr17-7802419-C-T.
Other names: c.2419C>T, p.Arg807Cys (NM_001005271.3); c.2242C>T, p.Arg748Cys (NM_005852.4); short protein forms R748C, R807C.
Identifiers: ClinVar variation 2500558 (VCV002500558.2), dbSNP rs1970022409, ClinGen allele CA397936818.

ClinVar aggregate classification (germline): Uncertain significance (1 of 4 stars; one submission).

Allele frequency attached by ClinVar (database versions not stated): gnomAD exomes below 0.00001.
gnomAD v4.1: 2 of 1,614,022 alleles (0.00012%); highest among the groups gnomAD compares: Non-Finnish European, 0.000085%; no homozygotes.

Submission:

GeneDx
Classification: Uncertain significance. Last evaluated: 2024-03-29. Review status: criteria provided, single submitter. Criteria: GeneDx Variant Classification Process June 2021. Collection method: clinical testing. Allele origin: germline.
Comment: Has not been previously published as pathogenic or benign to our knowledge; Not observed at significant frequency in large population cohorts (gnomAD); In silico analysis supports that this missense variant has a deleterious effect on protein structure/function